The following is an entry in ClinVar:

NM_002599.5(PDE2A):c.323+5G>A

Gene: PDE2A (phosphodiesterase 2A; minus strand). Cytogenetic location: 11q13.4.
Variant type: single nucleotide variant.
Coding change: c.323+5G>A on transcript NM_002599.5 (MANE Select); 5 bases into the intron after coding-DNA position 323, G replaced by A.
Molecular consequence: intron variant.
Genome position (GRCh38, 1-based): chr11:72,605,133, C>T on the plus strand (G>A on the coding strand, the complement: PDE2A is on the minus strand). VCF-style: chr11-72605133-C-T. GRCh37 (hg19) VCF-style: chr11-72316177-C-T.
Other names: c.296+5G>A (NM_001146209.3); c.302+5G>A (NM_001143839.4); c.260+5G>A (NM_001243784.2).
Identifiers: ClinVar variation 1467575 (VCV001467575.6), dbSNP rs2135350029, ClinGen allele CA2573147650.

ClinVar aggregate classification (germline): Uncertain significance (1 of 4 stars; one submission).

Submission:

Labcorp Genetics (formerly Invitae), Labcorp
Classification: Uncertain significance. Last evaluated: 2021-12-02. Review status: criteria provided, single submitter. Criteria: Invitae Variant Classification Sherloc (09022015). Collection method: clinical testing. Allele origin: germline.
Comment: This variant has not been reported in the literature in individuals affected with PDE2A-related conditions. This sequence change falls in intron 4 of the PDE2A gene. It does not directly change the encoded amino acid sequence of the PDE2A protein. It affects a nucleotide within the consensus splice site. This variant is not present in population databases (gnomAD no frequency). Variants that disrupt the consensus splice site are a relatively common cause of aberrant splicing (PMID: 17576681, 9536098). Algorithms developed to predict the effect of sequence changes on RNA splicing suggest that this variant may disrupt the consensus splice site. In summary, the available evidence is currently insufficient to determine the role of this variant in disease. Therefore, it has been classified as a Variant of Uncertain Significance.

Literature cited by the submitters: PubMed 17576681; PubMed 9536098.